The following is an entry in ClinVar:

NM_024675.4(PALB2):c.2267_2283dup (p.His762fs)

Gene: PALB2 (partner and localizer of BRCA2; minus strand). Cytogenetic location: 16p12.2.
Variant type: Duplication.
Coding change: c.2267_2283dup on transcript NM_024675.4 (MANE Select); coding-DNA positions 2267 to 2283, 17 bases duplicated (GCACACCCCAACTTGCT).
Protein change: p.His762fs; shifts the reading frame from histidine 762.
Molecular consequence: frameshift variant.
Genome position (GRCh38, 1-based): chr16:23,629,871-23,629,887, AGCAAGTTGGGGTGTGC duplicated on the plus strand (GCACACCCCAACTTGCT on the coding strand, the reverse complement: PALB2 is on the minus strand); duplicating any 17 consecutive bases within chr16:23,629,871-23,629,895 gives the same sequence; the c. name uses the placement nearest the transcript's 3' end. VCF-style (leftmost placement, unchanged base first): chr16-23629870-G-GAGCAAGTTGGGGTGTGC. GRCh37 (hg19) VCF-style: chr16-23641191-G-GAGCAAGTTGGGGTGTGC.
Other names: c.2267_2283dupGCACACCCCAACTTGCT (NM_024675.3); short protein forms H762fs.
Identifiers: ClinVar variation 245890 (VCV000245890.29), dbSNP rs755471995, ClinGen allele CA7963600.

ClinVar aggregate classification (germline): Pathogenic. Review status: criteria provided, multiple submitters, no conflicts (2 of 4 stars). 9 submissions from 9 submitters: Pathogenic (9). Last evaluated 2025-10-15.

Conditions:
Hereditary cancer-predisposing syndrome. Also called: Neoplastic Syndromes, Hereditary; Hereditary neoplastic syndrome; Hereditary Cancer Syndrome; Tumor predisposition. Identifiers: Orphanet 140162, MedGen C0027672, MeSH D009386, MONDO:0015356.
Familial cancer of breast. Also called: Hereditary breast cancer; BREAST CANCER, FAMILIAL; hereditary breast carcinoma. Identifiers: Orphanet 227535, MedGen C0346153, MONDO:0016419, OMIM 114480. Disease mechanism: loss of function.
PALB2-related cancer predisposition. Identifiers: MedGen CN377761, MONDO:0700272.

Submissions (9):

Labcorp Genetics (formerly Invitae), Labcorp
Classification: Pathogenic for Familial cancer of breast. Last evaluated: 2025-10-15. Review status: criteria provided, single submitter. Criteria: Invitae Variant Classification Sherloc (09022015). Collection method: clinical testing. Allele origin: germline.
Comment: This sequence change creates a premature translational stop signal (p.His762Alafs*8) in the PALB2 gene. It is expected to result in an absent or disrupted protein product. Loss-of-function variants in PALB2 are known to be pathogenic (PMID: 17200668, 17200671, 17200672, 24136930, 25099575). This variant is present in population databases (rs755471995, gnomAD 0.0009%). This variant has not been reported in the literature in individuals affected with PALB2-related conditions. ClinVar contains an entry for this variant (Variation ID: 245890). For these reasons, this variant has been classified as Pathogenic.

Hema, HEMA – Genetic and Molecular Diagnostic Laboratory
Classification: Pathogenic for PALB2-related cancer predisposition. Last evaluated: 2025-07-04. Review status: criteria provided, single submitter. Criteria: HEMA Variant Classification Assertion Criteria. Collection method: clinical testing. Allele origin: germline.
Comment: It is a duplication of 17 nucleotides that results in a frameshift in PALB2. PVS1: Null variant (frameshift variant) in a gene for which loss of function is a known disease mechanism. It is a frameshift variant that introduces a premature stop codon in exon 5/13, which is predicted to lead to nonsense-mediated decay (NMD) of the transcript. PM2_Supporting: Present at very low frequency in the gnomAD v4.1.0 database. PM5_Supporting: Variant that introduces a premature stop codon upstream of p.Tyr1183 in PALB2.

Quest Diagnostics Nichols Institute San Juan Capistrano
Classification: Pathogenic. Last evaluated: 2024-12-27. Review status: criteria provided, single submitter. Criteria: Quest Diagnostics criteria. Collection method: clinical testing. Allele origin: unknown.
Comment: The PALB2 c.2267_2283dup (p.His762Alafs*8) variant alters the translational reading frame of the PALB2 mRNA and causes the premature termination of PALB2 protein synthesis. This variant has been reported in the published literature in individuals with early-onset breast cancer (PMID: 31446535 (2019), 39448951 (2024)), ovarian cancer (PMID: 30322717 (2018)), and osteosarcoma (PMID: 32191290 (2020)). The frequency of this variant in the general population (Genome Aggregation Database) is consistent with pathogenicity. Based on the available information, this variant is classified as pathogenic.

Ambry Genetics
Classification: Pathogenic for Hereditary cancer-predisposing syndrome. Last evaluated: 2024-07-26. Review status: criteria provided, single submitter. Criteria: Ambry Variant Classification Scheme 2023. Collection method: clinical testing. Allele origin: germline.
Comment: The c.2267_2283dup17 variant, located in coding exon 5 of the PALB2 gene, results from a duplication of 17 nucleotides at nucleotide positions 2267 to 2283, causing a translational frameshift with a predicted alternate stop codon (p.H762Afs*8). This variant is considered to be rare based on population cohorts in the Genome Aggregation Database (gnomAD). This alteration is expected to result in loss of function by premature protein truncation or nonsense-mediated mRNA decay. As such, this alteration is interpreted as a disease-causing mutation.

Myriad Genetics, Inc.
Classification: Pathogenic for Familial cancer of breast. Last evaluated: 2023-09-12. Review status: criteria provided, single submitter. Criteria: Myriad Autosomal Dominant, Autosomal Recessive and X-Linked Classification Criteria (2023). Collection method: clinical testing. Allele origin: unknown.
Comment: This variant is considered pathogenic. This variant creates a frameshift predicted to result in premature protein truncation.

GeneDx
Classification: Pathogenic. Last evaluated: 2023-06-12. Review status: criteria provided, single submitter. Criteria: GeneDx Variant Classification Process June 2021. Collection method: clinical testing. Allele origin: germline. Affected: yes.
Comment: Frameshift variant predicted to result in protein truncation or nonsense mediated decay in a gene for which loss of function is a known mechanism of disease; Truncating variants in this gene are considered pathogenic by a well-established clinical consortium and/or database; Not observed at significant frequency in large population cohorts (gnomAD); Identified in an individual with breast cancer and in an individual with osteosarcoma (Cerretini et al., 2019; Mirabello et al., 2020); Also reported as c.2283_2284insGCACACCCCAACTTGCT; This variant is associated with the following publications: (PMID: 29922827, 30322717, 17200668, 17200671, 17200672, 24136930, 25099575, 31446535, 32191290, 31341520, 33471991)

Revvity Omics, Revvity
Classification: Pathogenic. Last evaluated: 2023-06-06. Review status: criteria provided, single submitter. Criteria: ACMG Guidelines, 2015. Collection method: clinical testing. Allele origin: germline.

Color Diagnostics, LLC DBA Color Health
Classification: Pathogenic for Hereditary cancer-predisposing syndrome. Last evaluated: 2023-05-04. Review status: criteria provided, single submitter. Criteria: ACMG Guidelines, 2015. Collection method: clinical testing. Allele origin: germline.
Comment: This variant inserts 17 nucleotides in exon 5 of the PALB2 gene, creating a frameshift and premature translation stop signal. This variant is expected to result in an absent or non-functional protein product. This variant has been identified in 1/251484 chromosomes in the general population by the Genome Aggregation Database (gnomAD). Loss of PALB2 function is a known mechanism of disease. Based on the available evidence, this variant is classified as Pathogenic.

Baylor Genetics
Classification: Pathogenic for Familial cancer of breast. Last evaluated: 2022-09-28. Review status: criteria provided, single submitter. Criteria: ACMG Guidelines, 2015. Collection method: clinical testing. Allele origin: unknown.

Literature cited by the submitters: PubMed 17200668 (cited by Labcorp Genetics (formerly Invitae), Labcorp); PubMed 17200671 (cited by Labcorp Genetics (formerly Invitae), Labcorp); PubMed 17200672 (cited by Labcorp Genetics (formerly Invitae), Labcorp); PubMed 24136930 (cited by Labcorp Genetics (formerly Invitae), Labcorp); PubMed 25099575 (cited by Labcorp Genetics (formerly Invitae), Labcorp); PubMed 33471991 (cited by Quest Diagnostics Nichols Institute San Juan Capistrano and Ambry Genetics); PubMed 39448951 (cited by Quest Diagnostics Nichols Institute San Juan Capistrano); PubMed 32191290 (cited by Quest Diagnostics Nichols Institute San Juan Capistrano); PubMed 31446535 (cited by Quest Diagnostics Nichols Institute San Juan Capistrano); PubMed 30322717 (cited by Quest Diagnostics Nichols Institute San Juan Capistrano).